The following is an entry in ClinVar:

NM_001854.4(COL11A1):c.3438+2_3438+3del

Gene: COL11A1 (collagen type XI alpha 1 chain; minus strand). Cytogenetic location: 1p21.1.
Variant type: Microsatellite.
Coding change: c.3438+2_3438+3del on transcript NM_001854.4 (MANE Select); the canonical splice donor site of the intron after coding-DNA position 3438 through 3 bases into the intron after coding-DNA position 3438, 2 bases deleted (TG; older notation c.3438+2_3438+3delTG).
Molecular consequence: splice donor variant.
Genome position (GRCh38, 1-based): chr1:102,939,032-102,939,033, CA deleted on the plus strand (TG on the coding strand, the reverse complement: COL11A1 is on the minus strand); deleting any 2 consecutive bases within chr1:102,939,032-102,939,035 gives the same sequence; the c. name uses the placement nearest the transcript's 3' end. VCF-style (leftmost placement, unchanged base first): chr1-102939031-TCA-T. GRCh37 (hg19) VCF-style: chr1-103404587-TCA-T.
Other names: c.3474+2_3474+3delTG (NM_080629.2); c.3321+2_3321+3del (NM_001190709.2); c.3474+2_3474+3del (NM_080629.3); c.3090+2_3090+3del (NM_080630.4).
Identifiers: ClinVar variation 619967 (VCV000619967.8), dbSNP rs1557847904, ClinGen allele CA913189330.

ClinVar aggregate classification (germline): Pathogenic/Likely pathogenic. Review status: criteria provided, multiple submitters, no conflicts (2 of 4 stars). 2 submissions from 2 submitters: Pathogenic (1); Likely pathogenic (1). Last evaluated 2025-04-01.

Conditions:
Stickler syndrome type 2 (STL2). Also called: COL11A1-Related Stickler Syndrome; STICKLER SYNDROME, BEADED VITREOUS TYPE; STICKLER SYNDROME, VITREOUS TYPE 2; STICKLER SYNDROME, TYPE II. Identifiers: Orphanet 828, Orphanet 90654, MedGen C1858084, MONDO:0011493, OMIM 604841.

Submissions (2):

Labcorp Genetics (formerly Invitae), Labcorp
Classification: Likely pathogenic. Last evaluated: 2025-04-01. Review status: criteria provided, single submitter. Criteria: Invitae Variant Classification Sherloc (09022015). Collection method: clinical testing. Allele origin: germline.
Comment: This sequence change affects a splice site in intron 44 of the COL11A1 gene. It is expected to disrupt RNA splicing. Variants that disrupt the donor or acceptor splice site typically lead to a loss of protein function (PMID: 16199547), and loss-of-function variants in COL11A1 are known to be pathogenic (PMID: 20513134, 21035103, 23922384, 25240749, 32427345, 32756486). This variant is not present in population databases (gnomAD no frequency). Disruption of this splice site has been observed in individual(s) with autosomal dominant Stickler syndrome (internal data). Algorithms developed to predict the effect of sequence changes on RNA splicing suggest that this variant may disrupt the consensus splice site. In summary, the currently available evidence indicates that the variant is pathogenic, but additional data are needed to prove that conclusively. Therefore, this variant has been classified as Likely Pathogenic.

Molecular Diagnostics Laboratory, M Health Fairview: University of Minnesota
Classification: Pathogenic for Stickler syndrome type 2. Last evaluated: 2016-09-15. Review status: criteria provided, single submitter. Criteria: ACMG Guidelines, 2015. Collection method: clinical testing. Allele origin: germline. Affected: yes. Observed: 1 variant allele.

Literature cited by the submitters: PubMed 16199547 (cited by Labcorp Genetics (formerly Invitae), Labcorp); PubMed 20513134 (cited by Labcorp Genetics (formerly Invitae), Labcorp); PubMed 21035103 (cited by Labcorp Genetics (formerly Invitae), Labcorp); PubMed 23922384 (cited by Labcorp Genetics (formerly Invitae), Labcorp); PubMed 25240749 (cited by Labcorp Genetics (formerly Invitae), Labcorp); PubMed 32427345 (cited by Labcorp Genetics (formerly Invitae), Labcorp); PubMed 32756486 (cited by Labcorp Genetics (formerly Invitae), Labcorp); PubMed 10486316 (cited by Molecular Diagnostics Laboratory, M Health Fairview: University of Minnesota).